The following is an entry in ClinVar:

ClinVar aggregate classification (germline): Pathogenic/Likely pathogenic. Review status: criteria provided, multiple submitters, no conflicts (2 of 4 stars). 3 submissions from 3 submitters: Pathogenic (1); Likely pathogenic (2). Last evaluated 2026-03-16.

Conditions:
DNHD1-related disorder. Also called: DNHD1-related condition.
Spermatogenic failure 65 (SPGF65). Identifiers: MedGen C5562067, MONDO:0030531, OMIM 619712.

Allele frequency attached by ClinVar (database versions not stated): 1000 Genomes Project 0.00020; 1000 Genomes Project 30x 0.00031; gnomAD 0.00047; TOPMed 0.00052; ExAC 0.00059; ESP Exome Variant Server 0.00104.
gnomAD v4.1: 1,154 of 1,613,938 alleles (0.072%); highest among the groups gnomAD compares: Non-Finnish European, 0.091%; 1 homozygote.

Submissions (3):

PreventionGenetics, part of Exact Sciences
Classification: Likely pathogenic for DNHD1-related condition. Last evaluated: 2026-03-16. Review status: criteria provided, single submitter. Criteria: ACMG Guidelines, 2015. Collection method: clinical testing. Allele origin: germline.
Comment: The DNHD1 c.12142C>T variant is predicted to result in premature protein termination (p.Arg4048*). To our knowledge, this variant has not been previously reported in the literature. This variant is reported in 0.091% of alleles in individuals of European (Non-Finnish) descent in gnomAD. Nonsense variants in DNHD1 are expected to be pathogenic. This variant is interpreted as likely pathogenic.

Genomic Medicine Center of Excellence, King Faisal Specialist Hospital and Research Centre
Classification: Likely pathogenic for Spermatogenic failure 65. Last evaluated: 2024-09-22. Review status: criteria provided, single submitter. Criteria: ACMG Guidelines, 2015. Collection method: clinical testing. Allele origin: germline.

Labcorp Genetics (formerly Invitae), Labcorp
Classification: Pathogenic. Last evaluated: 2022-06-28. Review status: criteria provided, single submitter. Criteria: Invitae Variant Classification Sherloc (09022015). Collection method: clinical testing. Allele origin: germline.
Comment: This sequence change creates a premature translational stop signal (p.Arg4048*) in the DNHD1 gene. It is expected to result in an absent or disrupted protein product. Loss-of-function variants in DNHD1 are known to be pathogenic (PMID: 34932939). This variant is present in population databases (rs201118703, gnomAD 0.09%), and has an allele count higher than expected for a pathogenic variant. This variant has not been reported in the literature in individuals affected with DNHD1-related conditions. For these reasons, this variant has been classified as Pathogenic.

Literature cited by the submitters: PubMed 34932939 (cited by Labcorp Genetics (formerly Invitae), Labcorp).

NM_144666.3(DNHD1):c.12142C>T (p.Arg4048Ter)

Gene: DNHD1 (dynein heavy chain domain 1; plus strand). Cytogenetic location: 11p15.4.
Variant type: single nucleotide variant.
Coding change: c.12142C>T on transcript NM_144666.3 (MANE Select); coding-DNA position 12142, C replaced by T.
Protein change: p.Arg4048Ter; replaces arginine 4048 with a stop codon.
Molecular consequence: nonsense.
Genome position (GRCh38, 1-based): chr11:6,567,651, C>T. VCF-style: chr11-6567651-C-T. GRCh37 (hg19) VCF-style: chr11-6588881-C-T.
Other names: c.12142C>T (NM_144666.2); short protein forms R4048*.
Identifiers: ClinVar variation 2053035 (VCV002053035.3), dbSNP rs201118703, ClinGen allele CA5856788.
Genomic context (GRCh38, chr11:6,567,651, plus strand): 5'-CCTGGGCCAGGGCCTGAGCCACTCAGCCTCCTCCAGAAGCTGATCCTGTGGCGCGTTCTG[C>T]GACCTGAGTGCCTGGCAGGTGCCCTGGCAGACTTCACCACTAGCCTCCTGGGTCGGCCCC-3'